The following is an entry in ClinVar:

ClinVar aggregate classification (germline): Uncertain significance. Review status: criteria provided, multiple submitters, no conflicts (2 of 4 stars). 5 submissions from 5 submitters: Uncertain significance (4). 1 of the submissions does not count toward it. Last evaluated 2025-09-24.

Conditions:
Long chain 3-hydroxyacyl-CoA dehydrogenase deficiency. Also called: Deficiency of long-chain 3-hydroxyacyl-coenzyme A dehydrogenase; LCHAD Deficiency. Identifiers: Orphanet 5, MedGen C3711645, MONDO:0012173, OMIM 609016.
Deficiency of hydroxymethylglutaryl-CoA lyase (HMGCLD). Also called: Defect in leucine metabolism; 3-hydroxy-3-methylglutaric aciduria; HMGCL DEFICIENCY; HYDROXYMETHYLGLUTARIC ACIDURIA; HMG-CoA LYASE DEFICIENCY. Identifiers: Orphanet 20, MedGen C1533587, MONDO:0009520, OMIM 246450.

Allele frequency attached by ClinVar (database versions not stated): gnomAD exomes 0.00001.
gnomAD v4.1: 11 of 1,613,960 alleles (0.00068%); highest among the groups gnomAD compares: East Asian, 0.022%; no homozygotes.

Submissions (5):

Genesolutions, Medical Genetics Institutes, Ho Chi Minh City, Vietnam
Classification: Uncertain significance for Deficiency of hydroxymethylglutaryl-CoA lyase. Last evaluated: 2025-09-24. Review status: criteria provided, single submitter. Criteria: ACMG Guidelines, 2015. Collection method: clinical testing. Allele origin: germline. Affected: yes.

Labcorp Genetics (formerly Invitae), Labcorp
Classification: Uncertain significance for Deficiency of hydroxymethylglutaryl-CoA lyase. Last evaluated: 2024-04-25. Review status: criteria provided, single submitter. Criteria: Invitae Variant Classification Sherloc (09022015). Collection method: clinical testing. Allele origin: germline.
Comment: This sequence change replaces threonine, which is neutral and polar, with serine, which is neutral and polar, at codon 205 of the HMGCL protein (p.Thr205Ser). This variant is not present in population databases (gnomAD no frequency). This missense change has been observed in individual(s) with sudden unexpected death (PMID: 28747690). ClinVar contains an entry for this variant (Variation ID: 933868). Advanced modeling of protein sequence and biophysical properties (such as structural, functional, and spatial information, amino acid conservation, physicochemical variation, residue mobility, and thermodynamic stability) has been performed at Invitae for this missense variant, however the output from this modeling did not meet the statistical confidence thresholds required to predict the impact of this variant on HMGCL protein function. In summary, the available evidence is currently insufficient to determine the role of this variant in disease. Therefore, it has been classified as a Variant of Uncertain Significance.

Genome-Nilou Lab
Classification: Uncertain significance for Deficiency of hydroxymethylglutaryl-CoA lyase. Last evaluated: 2023-04-11. Review status: criteria provided, single submitter. Criteria: ACMG Guidelines, 2015. Collection method: clinical testing. Allele origin: germline. Affected: no.

Myriad Genetics, Inc.
Classification: Uncertain significance for Deficiency of hydroxymethylglutaryl-CoA lyase. Last evaluated: 2021-11-08. Review status: criteria provided, single submitter. Criteria: Myriad Women's Health Autosomal Recessive and X-Linked Classification Criteria (2021). Collection method: clinical testing. Allele origin: unknown.
Comment: NM_000191.2(HMGCL):c.614C>G(T205S) is a missense variant classified as a variant of uncertain significance in the context of HMG-CoA lyase deficiency. T205S has not been observed in cases with relevant disease. Functional assessments of this variant are not available in the literature. T205S has not been observed in population frequency databases. In summary, there is insufficient evidence to classify NM_000191.2(HMGCL):c.614C>G(T205S) as pathogenic or benign. Please note: this variant was assessed in the context of healthy population screening.

Natera, Inc.
Classification: Uncertain significance for Deficiency of long-chain 3-hydroxyacyl-coenzyme A dehydrogenase. Last evaluated: 2020-04-21. Review status: no assertion criteria provided. Collection method: clinical testing. Allele origin: germline. Not counted in ClinVar's aggregate classification.

Literature cited by the submitters: PubMed 28747690 (cited by Labcorp Genetics (formerly Invitae), Labcorp).

NM_000191.3(HMGCL):c.614C>G (p.Thr205Ser)

Gene: HMGCL (3-hydroxy-3-methylglutaryl-CoA lyase; minus strand). Cytogenetic location: 1p36.11.
Variant type: single nucleotide variant.
Coding change: c.614C>G on transcript NM_000191.3 (MANE Select); coding-DNA position 614, C replaced by G.
Protein change: p.Thr205Ser; replaces threonine 205 with serine.
Molecular consequence: missense variant.
Genome position (GRCh38, 1-based): chr1:23,808,271, G>C on the plus strand (C>G on the coding strand, the complement: HMGCL is on the minus strand). VCF-style: chr1-23808271-G-C. GRCh37 (hg19) VCF-style: chr1-24134761-G-C.
Other names: c.401C>G, p.Thr134Ser (NM_001166059.2); short protein forms T134S, T205S.
Identifiers: ClinVar variation 933868 (VCV000933868.13), dbSNP rs1445870588, ClinGen allele CA339024260.